The following is an entry in ClinVar:

NM_001260.3(CDK8):c.100C>T (p.His34Tyr)

Gene: CDK8 (cyclin dependent kinase 8; plus strand). Cytogenetic location: 13q12.13.
Variant type: single nucleotide variant.
Coding change: c.100C>T on transcript NM_001260.3 (MANE Select); coding-DNA position 100, C replaced by T.
Protein change: p.His34Tyr; replaces histidine 34 with tyrosine.
Molecular consequence: missense variant. On other transcripts: 5 prime UTR variant (1).
Genome position (GRCh38, 1-based): chr13:26,254,741, C>T. VCF-style: chr13-26254741-C-T. GRCh37 (hg19) VCF-style: chr13-26828878-C-T.
Other names: c.100C>T, p.His34Tyr (NM_001318368.2); c.-362C>T (NM_001346501.2); short protein forms H34Y.
Identifiers: ClinVar variation 1676515 (VCV001676515.3), dbSNP rs2137842744, ClinGen allele CA387629895.

ClinVar aggregate classification (germline): Uncertain significance (1 of 4 stars; one submission).

Submission:

Greenwood Genetic Center Diagnostic Laboratories, Greenwood Genetic Center
Classification: Uncertain significance. Last evaluated: 2022-03-31. Review status: criteria provided, single submitter. Criteria: ACMG Guidelines, 2015. Collection method: clinical testing. Allele origin: germline. Affected: yes.
Comment: PM2, PP2